The following is an entry in ClinVar:

ClinVar aggregate classification (germline): Uncertain significance. Review status: criteria provided, multiple submitters, no conflicts (2 of 4 stars). 3 submissions from 3 submitters: Uncertain significance (3). Last evaluated 2026-03-27.

Conditions:
Ehlers-Danlos syndrome, classic type, 1 (EDSCL1). Also called: EHLERS-DANLOS SYNDROME, GRAVIS TYPE; EHLERS-DANLOS SYNDROME, SEVERE CLASSIC TYPE; Ehlers-Danlos Syndrome, Classic Type, COL5A1-Related; Ehlers-Danlos syndrome, type 1; EDS I. Identifiers: MedGen C0268335, MONDO:0019567, OMIM 130000.
Familial thoracic aortic aneurysm and aortic dissection (TAAD). Also called: Thoracic aortic aneurysms and dissections. Identifiers: Orphanet 91387, MedGen C4707243, MONDO:0019625.

Allele frequency attached by ClinVar (database versions not stated): TOPMed below 0.00001; gnomAD 0.00001.
gnomAD v4.1: 4 of 1,613,060 alleles (0.00025%); highest among the groups gnomAD compares: Non-Finnish European, 0.00034%; no homozygotes.

Submissions (3):

GeneDx
Classification: Uncertain significance. Last evaluated: 2026-03-27. Review status: criteria provided, single submitter. Criteria: GeneDx Variant Classification Process June 2021. Collection method: clinical testing. Allele origin: germline.
Comment: Not observed at significant frequency in large population cohorts (gnomAD); In silico analysis supports that this missense variant has a deleterious effect on protein structure/function; Has not been previously published as pathogenic or benign to our knowledge; Occurs in the triple helical domain at the Y position in the canonical Gly-X-Y repeat; although this variant may have an effect on normal protein folding and function, missense substitution at the Y position is not a common mechanism of disease (PMID: 22696272; HGMD); This variant is associated with the following publications: (PMID: 22696272)

Ambry Genetics
Classification: Uncertain significance for Familial thoracic aortic aneurysm and aortic dissection. Last evaluated: 2025-05-03. Review status: criteria provided, single submitter. Criteria: Ambry Variant Classification Scheme 2023. Collection method: clinical testing. Allele origin: germline.
Comment: The p.Q1449K variant (also known as c.4345C>A), located in coding exon 56 of the COL5A1 gene, results from a C to A substitution at nucleotide position 4345. The glutamine at codon 1449 is replaced by lysine, an amino acid with similar properties. This amino acid position is highly conserved in available vertebrate species. In addition, the in silico prediction for this alteration is inconclusive. Based on the available evidence, the clinical significance of this variant remains unclear.

Labcorp Genetics (formerly Invitae), Labcorp
Classification: Uncertain significance for Ehlers-Danlos syndrome, classic type, 1. Last evaluated: 2022-09-06. Review status: criteria provided, single submitter. Criteria: Invitae Variant Classification Sherloc (09022015). Collection method: clinical testing. Allele origin: germline.
Comment: In summary, the available evidence is currently insufficient to determine the role of this variant in disease. Therefore, it has been classified as a Variant of Uncertain Significance. Advanced modeling of protein sequence and biophysical properties (such as structural, functional, and spatial information, amino acid conservation, physicochemical variation, residue mobility, and thermodynamic stability) performed at Invitae indicates that this missense variant is not expected to disrupt COL5A1 protein function. ClinVar contains an entry for this variant (Variation ID: 1515285). This variant has not been reported in the literature in individuals affected with COL5A1-related conditions. This variant is not present in population databases (gnomAD no frequency). This sequence change replaces glutamine, which is neutral and polar, with lysine, which is basic and polar, at codon 1449 of the COL5A1 protein (p.Gln1449Lys).

NM_000093.5(COL5A1):c.4345C>A (p.Gln1449Lys)

Gene: COL5A1 (collagen type V alpha 1 chain; plus strand). Cytogenetic location: 9q34.3.
Variant type: single nucleotide variant.
Coding change: c.4345C>A on transcript NM_000093.5 (MANE Select); coding-DNA position 4345, C replaced by A.
Protein change: p.Gln1449Lys; replaces glutamine 1449 with lysine.
Molecular consequence: missense variant.
Genome position (GRCh38, 1-based): chr9:134,818,854, C>A. VCF-style: chr9-134818854-C-A. GRCh37 (hg19) VCF-style: chr9-137710700-C-A.
Other names: c.4345C>A, p.Gln1449Lys (NM_001278074.1); c.4345C>A (NM_000093.3); short protein forms Q1449K.
Identifiers: ClinVar variation 1515285 (VCV001515285.10), dbSNP rs1838876394, ClinGen allele CA375457365.